The following is an entry in ClinVar:

NM_005546.4(ITK):c.1741C>T (p.Arg581Trp)

Gene: ITK (IL2 inducible T cell kinase; plus strand). Cytogenetic location: 5q33.3.
Variant type: single nucleotide variant.
Coding change: c.1741C>T on transcript NM_005546.4 (MANE Select); coding-DNA position 1741, C replaced by T.
Protein change: p.Arg581Trp; replaces arginine 581 with tryptophan.
Molecular consequence: missense variant.
Genome position (GRCh38, 1-based): chr5:157,248,957, C>T. VCF-style: chr5-157248957-C-T. GRCh37 (hg19) VCF-style: chr5-156675967-C-T.
Other names: short protein forms R581W.
Identifiers: ClinVar variation 352476 (VCV000352476.44), dbSNP rs34482255, ClinGen allele CA3533181.

ClinVar aggregate classification (germline): Conflicting classifications of pathogenicity. Review status: criteria provided, conflicting classifications (1 of 4 stars). 7 submissions from 7 submitters: Uncertain significance (2); Likely benign (4). 1 of the submissions does not count toward it. Last evaluated 2026-04-07.

Conditions:
ITK-related disorder. Also called: ITK-related condition.
Autoinflammatory syndrome. Identifiers: Orphanet 93665, MedGen C3890737, MONDO:0019751.
Lymphoproliferative syndrome 1 (LPFS1). Identifiers: Orphanet 238505, Orphanet 538963, MedGen C3552634, MONDO:0013081, OMIM 613011.

Allele frequency attached by ClinVar (database versions not stated): ESP Exome Variant Server 0.00031; gnomAD 0.00045; TOPMed 0.00079; ExAC 0.00082; 1000 Genomes Project 0.00100; 1000 Genomes Project 30x 0.00109.
gnomAD v4.1: 637 of 1,613,884 alleles (0.039%); highest among the groups gnomAD compares: East Asian, 0.45%; 3 homozygotes.

Submissions (7):

GeneDx
Classification: Uncertain significance. Last evaluated: 2026-04-07. Review status: criteria provided, single submitter. Criteria: GeneDx Variant Classification Process June 2021. Collection method: clinical testing. Allele origin: germline.
Comment: Identified in the heterozygous state in patients with primary Sjogren's syndrome and with natural killer/T-cell lymphoma in the published literature, however, this variant was also identified in unaffected individuals in these families (PMID: 31848144, 32874983); Identified in individuals with hemophagocytic lymphohistiocytosis in the published literature, however, no additional information was provided (PMID: 30899265); In silico analysis supports that this missense variant has a deleterious effect on protein structure/function; This variant is associated with the following publications: (PMID: 24448499, 32874983, 30899265, 37080976, 34185399, 31848144, 34170459, 37730603, 38810947)

Labcorp Genetics (formerly Invitae), Labcorp
Classification: Likely benign for Lymphoproliferative syndrome 1. Last evaluated: 2026-01-24. Review status: criteria provided, single submitter. Criteria: Invitae Variant Classification Sherloc (09022015). Collection method: clinical testing. Allele origin: germline.

Blueprint Genetics
Classification: Likely benign. Last evaluated: 2024-10-25. Review status: criteria provided, single submitter. Criteria: ACMG Guidelines, 2015. Collection method: clinical testing. Allele origin: germline.

CeGaT Center for Human Genetics Tuebingen
Classification: Likely benign. Last evaluated: 2024-01-01. Review status: criteria provided, single submitter. Criteria: CeGaT Center For Human Genetics Tuebingen Variant Classification Criteria Version 2. Collection method: clinical testing. Allele origin: germline. Affected: yes. Observed: 1 variant allele.
Comment: ITK: PM5, BS2

Genome Diagnostics Laboratory, The Hospital for Sick Children
Classification: Uncertain significance for Autoinflammatory syndrome. Last evaluated: 2018-04-01. Review status: criteria provided, single submitter. Criteria: ACMG Guidelines, 2015. Collection method: clinical testing. Allele origin: germline. Affected: yes.

Illumina Laboratory Services, Illumina
Classification: Likely benign for Lymphoproliferative syndrome 1. Last evaluated: 2018-01-13. Review status: criteria provided, single submitter. Criteria: ICSL Variant Classification Criteria 13 December 2019. Collection method: clinical testing. Allele origin: germline.
Comment: This variant was observed in the ICSL laboratory as part of a predisposition screen in an ostensibly healthy population. It had not been previously curated by ICSL or reported in the Human Gene Mutation Database (HGMD: prior to June 1st, 2018), and was therefore a candidate for classification through an automated scoring system. Utilizing variant allele frequency, disease prevalence and penetrance estimates, and inheritance mode, an automated score was calculated to assess if this variant is too frequent to cause the disease. Based on the score and internal cut-off values, a variant classified as likely benign is not then subjected to further curation. The score for this variant resulted in a classification of likely benign for this disease.

PreventionGenetics, part of Exact Sciences
Classification: Benign for ITK-related condition. Last evaluated: 2019-07-02. Review status: no assertion criteria provided. Collection method: clinical testing. Allele origin: germline. Not counted in ClinVar's aggregate classification.
Comment: This variant is classified as benign based on ACMG/AMP sequence variant interpretation guidelines (Richards et al. 2015 PMID: 25741868, with internal and published modifications).